The following is an entry in ClinVar:

ClinVar aggregate classification (germline): Uncertain significance (1 of 4 stars; one submission).

Allele frequency attached by ClinVar (database versions not stated): TOPMed 0.00001 and 0.00002.
gnomAD v4.1: 3 of 1,614,036 alleles (0.00019%); highest among the groups gnomAD compares: Non-Finnish European, 0.00025%; no homozygotes.

Submission:

GeneDx
Classification: Uncertain significance. Last evaluated: 2017-05-03. Review status: criteria provided, single submitter. Criteria: GeneDx Variant Classification (06012015). Collection method: clinical testing. Allele origin: germline. Affected: yes.
Comment: The I992L variant in the POLR1A gene has not been reported previously as a pathogenic variant, nor as a benign variant, to our knowledge. The I992L variant is not observed in large population cohorts (Lek et al., 2016; 1000 Genomes Consortium et al., 2015; Exome Variant Server). The I992L variant is a conservative amino acid substitution, which is not likely to impact secondary protein structure as these residues share similar properties. This substitution occurs at a position where amino acids with similar properties to Isoleucine are tolerated across species. In silico analysis is inconsistent in its predictions as to whether or not the variant is damaging to the protein structure/function. We interpret I992L as a variant of uncertain significance.

NM_015425.6(POLR1A):c.2974A>C (p.Ile992Leu)

Gene: POLR1A (RNA polymerase I subunit A; minus strand). Cytogenetic location: 2p11.2.
Variant type: single nucleotide variant.
Coding change: c.2974A>C on transcript NM_015425.6 (MANE Select); coding-DNA position 2974, A replaced by C.
Protein change: p.Ile992Leu; replaces isoleucine 992 with leucine.
Molecular consequence: missense variant.
Genome position (GRCh38, 1-based): chr2:86,044,300, T>G on the plus strand (A>C on the coding strand, the complement: POLR1A is on the minus strand). VCF-style: chr2-86044300-T-G. GRCh37 (hg19) VCF-style: chr2-86271423-T-G.
Other names: short protein forms I992L.
Identifiers: ClinVar variation 429259 (VCV000429259.2), dbSNP rs977229991, ClinGen allele CA51333289.